The following is an entry in ClinVar:

NM_006514.4(SCN10A):c.4958_4959delinsTT (p.Cys1653Phe)

Gene: SCN10A (sodium voltage-gated channel alpha subunit 10; minus strand). Cytogenetic location: 3p22.2.
Variant type: Indel.
Coding change: c.4958_4959delinsTT on transcript NM_006514.4 (MANE Select); coding-DNA positions 4958 to 4959, GC replaced by TT.
Protein change: p.Cys1653Phe; replaces cysteine 1653 with phenylalanine.
Molecular consequence: missense variant.
Genome position (GRCh38, 1-based): chr3:38,698,261-38,698,262, GC replaced by AA on the plus strand (GC replaced by TT on the coding strand, the reverse complement: SCN10A is on the minus strand). VCF-style: chr3-38698261-GC-AA. GRCh37 (hg19) VCF-style: chr3-38739752-GC-AA.
Other names: c.4955_4956delinsTT, p.Cys1652Phe (NM_001293306.2); c.4664_4665delinsTT, p.Cys1555Phe (NM_001293307.2); short protein forms C1555F, C1652F, C1653F.
Identifiers: ClinVar variation 4995182 (VCV004995182.1).
Genomic context (GRCh38, chr3:38,698,261, plus strand): 5'-TGTGTTGAGGATGGGGCTGAGGAGGCCATCCCAGCCGGCCGACGTGGTAATCTGGAAGAG[GC>AA]ACAGCATGCTGTTGGCGAAGGTCTGGAAGTTGAACATGTCGTCGATGCCAGCCTCCCACC-3'
Protein context (NP_006505.4, residues 1643-1663): NFQTFANSML[Cys1653Phe]LFQITTSAGW

ClinVar aggregate classification (germline): Uncertain significance (1 of 4 stars; one submission).

Conditions:
SCN10A-related disorder. Also called: SCN10A-related condition.

Submission:

PreventionGenetics, part of Exact Sciences
Classification: Uncertain significance for SCN10A-related condition. Last evaluated: 2026-04-06. Review status: criteria provided, single submitter. Criteria: ACMG Guidelines, 2015. Collection method: clinical testing. Allele origin: germline.
Comment: The SCN10A c.4958_4959delinsTT variant is predicted to result in an in-frame deletion and insertion. To our knowledge, this variant has not been reported in the literature or in a large population database (gnomAD), indicating this variant is rare. At this time, the clinical significance of this variant is uncertain due to the absence of conclusive functional and genetic evidence.